The following is an entry in ClinVar:

NM_002878.4(RAD51D):c.986G>T (p.Ter329Leu)

Genes: RAD51D (RAD51 paralog D; minus strand), RAD51L3-RFFL (RAD51L3-RFFL readthrough; minus strand). Cytogenetic location: 17q12.
Variant type: single nucleotide variant.
Coding change: c.986G>T on transcript NM_002878.4 (MANE Select); coding-DNA position 986, G replaced by T.
Protein change: p.Ter329Leu.
Molecular consequence: stop lost. On other transcripts: non-coding transcript variant (2).
Genome position (GRCh38, 1-based): chr17:35,100,954, C>A on the plus strand (G>T on the coding strand, the complement: RAD51D is on the minus strand). VCF-style: chr17-35100954-C-A. GRCh37 (hg19) VCF-style: chr17-33427973-C-A.
Other names: *329L; *217L; *349L; c.1046G>T, p.Ter349Leu (NM_001142571.2); c.650G>T, p.Ter217Leu (NM_133629.3).
Identifiers: ClinVar variation 823523 (VCV000823523.11), dbSNP rs1597855293, ClinGen allele CA399086022.

ClinVar aggregate classification (germline): Uncertain significance. Review status: criteria provided, multiple submitters, no conflicts (2 of 4 stars). 2 submissions from 2 submitters: Uncertain significance (2). Last evaluated 2025-08-26.

Conditions:
Hereditary cancer-predisposing syndrome. Also called: Tumor predisposition; Hereditary Cancer Syndrome; Neoplastic Syndromes, Hereditary; Hereditary neoplastic syndrome. Identifiers: Orphanet 140162, MedGen C0027672, MeSH D009386, MONDO:0015356.
Breast-ovarian cancer, familial, susceptibility to, 4. Identifiers: Orphanet 145, MedGen C3280345, MONDO:0013669, OMIM 614291.

Submissions (2):

Labcorp Genetics (formerly Invitae), Labcorp
Classification: Uncertain significance for Breast-ovarian cancer, familial, susceptibility to, 4. Last evaluated: 2025-08-26. Review status: criteria provided, single submitter. Criteria: Invitae Variant Classification Sherloc (09022015). Collection method: clinical testing. Allele origin: germline.
Comment: This sequence change disrupts the translational stop signal of the RAD51D mRNA. It is expected to extend the length of the RAD51D protein by 56 additional amino acid residues. This variant is not present in population databases (gnomAD no frequency). This variant has not been reported in the literature in individuals affected with RAD51D-related conditions. ClinVar contains an entry for this variant (Variation ID: 823523). In summary, the available evidence is currently insufficient to determine the role of this variant in disease. Therefore, it has been classified as a Variant of Uncertain Significance.

Ambry Genetics
Classification: Uncertain significance for Hereditary cancer-predisposing syndrome. Last evaluated: 2023-08-31. Review status: criteria provided, single submitter. Criteria: Ambry Variant Classification Scheme 2023. Collection method: clinical testing. Allele origin: germline.
Comment: The c.986G>T variant (also known as p.*329LEXT*56), located in coding exon 10 of the RAD51D gene, results from a G to T substitution at nucleotide position 986, which is the last nucleotide of the RAD51D gene. The stop codon at position 329 is replaced by Leucine, resulting in an elongation of the protein by 56 amino acids. The exact functional impact of these added amino acids is unknown at this time. This nucleotide position is well conserved in available vertebrate species. Since supporting evidence is limited at this time, the clinical significance of this alteration remains unclear.